The following is an entry in ClinVar:

NM_005909.5(MAP1B):c.2110A>T (p.Thr704Ser)

Gene: MAP1B (microtubule associated protein 1B; plus strand). Cytogenetic location: 5q13.2.
Variant type: single nucleotide variant.
Coding change: c.2110A>T on transcript NM_005909.5 (MANE Select); coding-DNA position 2110, A replaced by T.
Protein change: p.Thr704Ser; replaces threonine 704 with serine.
Molecular consequence: missense variant.
Genome position (GRCh38, 1-based): chr5:72,195,465, A>T. VCF-style: chr5-72195465-A-T. GRCh37 (hg19) VCF-style: chr5-71491292-A-T.
Other names: c.1732A>T, p.Thr578Ser (NM_001324255.2); short protein forms T578S, T704S.
Identifiers: ClinVar variation 2442453 (VCV002442453.1), dbSNP rs2478570944, ClinGen allele CA360003539.

ClinVar aggregate classification (germline): Uncertain significance (1 of 4 stars; one submission).

Submission:

GeneDx
Classification: Uncertain significance. Last evaluated: 2022-09-02. Review status: criteria provided, single submitter. Criteria: GeneDx Variant Classification Process June 2021. Collection method: clinical testing. Allele origin: germline. Affected: yes.
Comment: Not observed at significant frequency in large population cohorts (gnomAD); In silico analysis supports that this missense variant does not alter protein structure/function; Has not been previously published as pathogenic or benign to our knowledge